The following is an entry in ClinVar:

NM_003590.5(CUL3):c.391G>A (p.Val131Ile)

Gene: CUL3 (cullin 3; minus strand). Cytogenetic location: 2q36.2.
Variant type: single nucleotide variant.
Coding change: c.391G>A on transcript NM_003590.5 (MANE Select); coding-DNA position 391, G replaced by A.
Protein change: p.Val131Ile; replaces valine 131 with isoleucine.
Molecular consequence: missense variant.
Genome position (GRCh38, 1-based): chr2:224,514,760, C>T on the plus strand (G>A on the coding strand, the complement: CUL3 is on the minus strand). VCF-style: chr2-224514760-C-T. GRCh37 (hg19) VCF-style: chr2-225379477-C-T.
Other names: c.193G>A, p.Val65Ile (NM_001257197.2); c.409G>A, p.Val137Ile (NM_001257198.2); short protein forms V131I, V137I, V65I.
Identifiers: ClinVar variation 2504728 (VCV002504728.1), dbSNP rs2470004216, ClinGen allele CA350832292.

ClinVar aggregate classification (germline): Uncertain significance (1 of 4 stars; one submission).

Allele frequency attached by ClinVar (database versions not stated): gnomAD exomes below 0.00001.
gnomAD v4.1: 1 of 1,610,896 alleles (0.000062%); highest among the groups gnomAD compares: Non-Finnish European, 0.000085%; no homozygotes.

Submission:

GeneDx
Classification: Uncertain significance. Last evaluated: 2022-12-09. Review status: criteria provided, single submitter. Criteria: GeneDx Variant Classification Process June 2021. Collection method: clinical testing. Allele origin: germline. Affected: yes.
Comment: Not observed at significant frequency in large population cohorts (gnomAD); In silico analysis supports that this missense variant does not alter protein structure/function; Has not been previously published as pathogenic or benign to our knowledge